The following is an entry in ClinVar:

ClinVar aggregate classification (germline): Benign. Review status: criteria provided, multiple submitters, no conflicts (2 of 4 stars). 5 submissions from 5 submitters: Benign (5). Last evaluated 2026-02-02.

Conditions:
Autoimmune lymphoproliferative syndrome type 2A (ALPS2A). Also called: CASP10-Related Autoimmune Lymphoproliferative Syndrome; AUTOIMMUNE LYMPHOPROLIFERATIVE SYNDROME, TYPE IIA; Autoimmune lymphoproliferative syndrome type 2. Identifiers: Orphanet 3261, MedGen C1858968, MONDO:0011383, OMIM 603909.

Allele frequency attached by ClinVar (database versions not stated): ESP Exome Variant Server 0.06969; TOPMed 0.07082; 1000 Genomes Project 0.07248; 1000 Genomes Project 30x 0.07792.
gnomAD v4.1: 18,653 of 1,602,776 alleles (1.2%); highest among the groups gnomAD compares: African/African-American, 22%; 1,846 homozygotes.

Submissions (5):

Labcorp Genetics (formerly Invitae), Labcorp
Classification: Benign for Autoimmune lymphoproliferative syndrome type 2A. Last evaluated: 2026-02-02. Review status: criteria provided, single submitter. Criteria: Invitae Variant Classification Sherloc (09022015). Collection method: clinical testing. Allele origin: germline.

Mayo Clinic Laboratories, Mayo Clinic
Classification: Benign. Last evaluated: 2023-08-04. Review status: criteria provided, single submitter. Criteria: ACMG Guidelines, 2015. Collection method: clinical testing. Allele origin: germline. Observed: 30 variant alleles.

Illumina Laboratory Services, Illumina
Classification: Benign for Autoimmune lymphoproliferative syndrome type 2A. Last evaluated: 2018-01-12. Review status: criteria provided, single submitter. Criteria: ICSL Variant Classification Criteria 13 December 2019. Collection method: clinical testing. Allele origin: germline.
Comment: This variant was observed in the ICSL laboratory as part of a predisposition screen in an ostensibly healthy population. It had not been previously curated by ICSL or reported in the Human Gene Mutation Database (HGMD: prior to June 1st, 2018), and was therefore a candidate for classification through an automated scoring system. Utilizing variant allele frequency, disease prevalence and penetrance estimates, and inheritance mode, an automated score was calculated to assess if this variant is too frequent to cause the disease. Based on the score and internal cut-off values, a variant classified as benign is not then subjected to further curation. The score for this variant resulted in a classification of benign for this disease.

GeneDx
Classification: Benign. Last evaluated: 2015-03-03. Review status: criteria provided, single submitter. Criteria: GeneDx Variant Classification Process June 2021. Collection method: clinical testing. Allele origin: germline. Affected: yes.

Breakthrough Genomics
Classification: Benign. Review status: criteria provided, single submitter. Criteria: ACMG Guidelines, 2015. Collection method: not provided. Allele origin: germline. Inheritance: Autosomal dominant inheritance. Affected: yes.

NM_032977.4(CASP10):c.347+9G>T

Gene: CASP10 (caspase 10; plus strand). Cytogenetic location: 2q33.1.
Variant type: single nucleotide variant.
Coding change: c.347+9G>T on transcript NM_032977.4 (MANE Select); 9 bases into the intron after coding-DNA position 347, G replaced by T.
Molecular consequence: intron variant.
Genome position (GRCh38, 1-based): chr2:201,186,133, G>T. VCF-style: chr2-201186133-G-T. GRCh37 (hg19) VCF-style: chr2-202050856-G-T.
Other names: p.?; c.347+9G>T (NM_032974.5, NM_001206542.2, NM_032976.4 and 3 more transcripts).
Identifiers: ClinVar variation 333420 (VCV000333420.22), dbSNP rs7608787, ClinGen allele CA2052826.